The following is an entry in ClinVar:

ClinVar aggregate classification (germline): Uncertain significance (1 of 4 stars; one submission).

Conditions:
Severe combined immunodeficiency due to DCLRE1C deficiency (RS-SCID). Also called: SCID, AUTOSOMAL RECESSIVE, T CELL-NEGATIVE, B CELL-NEGATIVE, NK CELL-POSITIVE, WITH SENSITIVITY TO IONIZING RADIATION. Identifiers: Orphanet 275, MedGen C1865371, MONDO:0011225, OMIM 602450.

Allele frequency attached by ClinVar (database versions not stated): gnomAD exomes 0.00001 and below 0.00001; gnomAD 0.00003 and 0.00004; ESP Exome Variant Server 0.00008; TOPMed 0.00002.
gnomAD v4.1: 7 of 1,613,702 alleles (0.00043%); highest among the groups gnomAD compares: African/African-American, 0.004%; no homozygotes.

Submission:

Labcorp Genetics (formerly Invitae), Labcorp
Classification: Uncertain significance for Athabaskan severe combined immunodeficiency. Last evaluated: 2024-10-16. Review status: criteria provided, single submitter. Criteria: Invitae Variant Classification Sherloc (09022015). Collection method: clinical testing. Allele origin: germline.
Comment: This sequence change replaces threonine, which is neutral and polar, with methionine, which is neutral and non-polar, at codon 167 of the DCLRE1C protein (p.Thr167Met). This variant is present in population databases (rs149556109, gnomAD 0.004%). This missense change has been observed in individual(s) with inborn errors of immunity (PMID: 35482138). ClinVar contains an entry for this variant (Variation ID: 1413893). Invitae Evidence Modeling of protein sequence and biophysical properties (such as structural, functional, and spatial information, amino acid conservation, physicochemical variation, residue mobility, and thermodynamic stability) has been performed for this missense variant. However, the output from this modeling did not meet the statistical confidence thresholds required to predict the impact of this variant on DCLRE1C protein function. In summary, the available evidence is currently insufficient to determine the role of this variant in disease. Therefore, it has been classified as a Variant of Uncertain Significance.

Literature cited by the submitters: PubMed 35482138.

NM_001033855.3(DCLRE1C):c.500C>T (p.Thr167Met)

Gene: DCLRE1C (DNA cross-link repair 1C; minus strand). Cytogenetic location: 10p13.
Variant type: single nucleotide variant.
Coding change: c.500C>T on transcript NM_001033855.3 (MANE Select); coding-DNA position 500, C replaced by T.
Protein change: p.Thr167Met; replaces threonine 167 with methionine.
Molecular consequence: missense variant. On other transcripts: non-coding transcript variant (4).
Genome position (GRCh38, 1-based): chr10:14,934,740, G>A on the plus strand (C>T on the coding strand, the complement: DCLRE1C is on the minus strand). VCF-style: chr10-14934740-G-A. GRCh37 (hg19) VCF-style: chr10-14976739-G-A.
Other names: c.140C>T, p.Thr47Met (NM_001289077.2, NM_001289079.2, NM_001350967.2 and 2 more transcripts); c.155C>T, p.Thr52Met (NM_001289078.2, NM_001350966.2, NM_022487.4 and 1 more transcripts); c.500C>T, p.Thr167Met (NM_001350965.2); short protein forms T52M, T167M, T47M.
Identifiers: ClinVar variation 1413893 (VCV001413893.7), dbSNP rs149556109, ClinGen allele CA203395818.